The following is an entry in ClinVar:

ClinVar aggregate classification (germline): Uncertain significance (1 of 4 stars; one submission).

gnomAD v4.1: 2 of 1,613,982 alleles (0.00012%); highest among the groups gnomAD compares: Non-Finnish European, 0.000085%; no homozygotes.

Submission:

Dasa
Classification: Uncertain significance. Last evaluated: 2025-09-03. Review status: criteria provided, single submitter. Criteria: DASA Assertion Criteria. Collection method: clinical testing. Allele origin: germline.
Comment: NM_001457.4(FLNB):c.5852C>T (p.Pro1951Leu) is a missense variant that results in the substitution of proline with leucine. This variant is rare in population databases. Computational prediction algorithms are consistent with a deleterious effect. The currently available literature and clinical evidence are not sufficient to establish a definitive association between this variant and the reported condition. Therefore, this variant is classified as a variant of uncertain significance.

NM_001457.4(FLNB):c.5852C>T (p.Pro1951Leu)

Gene: FLNB (filamin B; plus strand). Cytogenetic location: 3p14.3.
Variant type: single nucleotide variant.
Coding change: c.5852C>T on transcript NM_001457.4 (MANE Select); coding-DNA position 5852, C replaced by T.
Protein change: p.Pro1951Leu; replaces proline 1951 with leucine.
Molecular consequence: missense variant.
Genome position (GRCh38, 1-based): chr3:58,148,329, C>T. VCF-style: chr3-58148329-C-T. GRCh37 (hg19) VCF-style: chr3-58134056-C-T.
Other names: c.5945C>T, p.Pro1982Leu (NM_001164317.2); c.5819C>T, p.Pro1940Leu (NM_001164318.2); c.5780C>T, p.Pro1927Leu (NM_001164319.2); short protein forms P1927L, P1940L, P1951L, P1982L.
Identifiers: ClinVar variation 5020871 (VCV005020871.1).
Genomic context (GRCh38, chr3:58,148,329, plus strand): 5'-GTGAGACTGACCTCAGCAGCCTGACGGCCAGCATTAAGGCCCCATCTGGCCGAGACGAGC[C>T]CTGTCTCCTGAAGAGGCTGCCCAACAACCACATTGGTGAGCTAGGCTACCCTTCCTGGCT-3'
Protein context (NP_001448.2, residues 1941-1961): SIKAPSGRDE[Pro1951Leu]CLLKRLPNNH